The following is an entry in ClinVar:

ClinVar aggregate classification (germline): Likely pathogenic (1 of 4 stars; one submission).

Submission:

Labcorp Genetics (formerly Invitae), Labcorp
Classification: Likely pathogenic. Last evaluated: 2022-10-05. Review status: criteria provided, single submitter. Criteria: Invitae Variant Classification Sherloc (09022015). Collection method: clinical testing. Allele origin: germline.
Comment: This variant has not been reported in the literature in individuals affected with ASPM-related conditions. Algorithms developed to predict the effect of sequence changes on RNA splicing suggest that this variant may disrupt the consensus splice site. In summary, the currently available evidence indicates that the variant is pathogenic, but additional data are needed to prove that conclusively. Therefore, this variant has been classified as Likely Pathogenic. This sequence change affects a donor splice site in intron 8 of the ASPM gene. It is expected to disrupt RNA splicing. Variants that disrupt the donor or acceptor splice site typically lead to a loss of protein function (PMID: 16199547), and loss-of-function variants in ASPM are known to be pathogenic (PMID: 19028728, 23611254). This variant is not present in population databases (gnomAD no frequency).

Literature cited by the submitters: PubMed 16199547; PubMed 19028728; PubMed 23611254.

NM_018136.5(ASPM):c.2629+1G>T

Gene: ASPM (assembly factor for spindle microtubules; minus strand). Cytogenetic location: 1q31.3.
Variant type: single nucleotide variant.
Coding change: c.2629+1G>T on transcript NM_018136.5 (MANE Select); the canonical splice donor site of the intron after coding-DNA position 2629, G replaced by T.
Molecular consequence: splice donor variant.
Genome position (GRCh38, 1-based): chr1:197,129,914, C>A on the plus strand (G>T on the coding strand, the complement: ASPM is on the minus strand). VCF-style: chr1-197129914-C-A. GRCh37 (hg19) VCF-style: chr1-197099044-C-A.
Other names: c.2629+1G>T (NM_001206846.2).
Identifiers: ClinVar variation 1976162 (VCV001976162.5), dbSNP rs2527368289, ClinGen allele CA344049557.